The following is an entry in ClinVar:

ClinVar aggregate classification (germline): Pathogenic (1 of 4 stars; one submission).

Submission:

GeneDx
Classification: Pathogenic. Last evaluated: 2017-01-12. Review status: criteria provided, single submitter. Criteria: GeneDx Variant Classification (06012015). Collection method: clinical testing. Allele origin: germline. Affected: yes.
Comment: The c.2477delG variant in the ASXL1 gene has not been reported previously as a pathogenic variant nor as a benign variant, to our knowledge. The c.2477delG variant causes a frameshift starting with codon Glycine 826, changes this amino acid to a Glutamic acid residue, and creates a premature Stop codon at position 12 of the new reading frame, denoted p.Gly826GlufsX12. This variant is predicted to cause loss of normal protein function through protein truncation. The c.2477delG variant was not observed in approximately 6,500 individuals of European and African American ancestry in the NHLBI Exome Sequencing Project, indicating it is not a common benign variant in these populations. We interpret c.2477delG as a pathogenic variant.

NM_015338.6(ASXL1):c.2477del (p.Gly826fs)

Gene: ASXL1 (ASXL transcriptional regulator 1; plus strand). Cytogenetic location: 20q11.21.
Variant type: Deletion.
Coding change: c.2477del on transcript NM_015338.6 (MANE Select); coding-DNA position 2477, one base deleted (G; older notation c.2477delG).
Protein change: p.Gly826fs; shifts the reading frame from glycine 826.
Molecular consequence: frameshift variant.
Genome position (GRCh38, 1-based): chr20:32,435,189, G deleted; the last of 2 consecutive G bases (chr20:32,435,188-32,435,189); deleting either gives the same sequence. VCF-style (leftmost placement, unchanged base first): chr20-32435187-AG-A. GRCh37 (hg19) VCF-style: chr20-31022990-AG-A.
Other names: c.2477delG (NM_015338.5); c.2294del, p.Gly765fs (NM_001363734.1); short protein forms G826fs, G765fs.
Identifiers: ClinVar variation 422927 (VCV000422927.2), dbSNP rs1064796100, ClinGen allele CA16620922.
Genomic context (GRCh38, chr20:32,435,187, plus strand): 5'-CACCGTTCCTGCAGACAATGGTCCCATTCCGTCTCTAGTGGGAGATGATACATTAGAGAA[AG>A]GAACTGGCCAAGCTCTTGACAGTCATCCCACTATGAAGGATCCTGTAAATGTGACCCCCA-3'